The following is an entry in ClinVar:

NM_001370100.5(ZMYND11):c.528TAA[1] (p.Asn177del)

Gene: ZMYND11 (zinc finger MYND-type containing 11; plus strand). Cytogenetic location: 10p15.3.
Variant type: Microsatellite.
Coding change: c.528TAA[1] on transcript NM_001370100.5 (MANE Select); one copy of the 3-base unit TAA starting at c.528; the reference has two copies in a row; one copy, 3 bases deleted.
Protein change: p.Asn177del; deletes asparagine 177.
Molecular consequence: non-coding transcript variant (on NR_163254.2). On other transcripts: intron variant (4).
Genome position (GRCh38, 1-based): chr10:237,599-237,601, TAA deleted; deleting any 3 consecutive bases within chr10:237,596-237,601 gives the same sequence; the position shown is the placement nearest the transcript's 3' end. VCF-style (leftmost placement, unchanged base first): chr10-237595-TTAA-T. GRCh37 (hg19) VCF-style: chr10-283535-TTAA-T.
Other names: c.528TAA[1], p.Asn177del (NM_001370101.2, NM_001370102.2, NM_001370117.2 and 8 more transcripts); c.408TAA[1], p.Asn137del (NM_001370118.2); c.300TAA[1], p.Asn101del (NM_001370120.2); c.366TAA[1], p.Asn123del (NM_001370103.2, NM_001370104.2, NM_001370105.2 and 9 more transcripts); c.246TAA[1], p.Asn83del (NM_001370121.2); c.477TAA[1], p.Asn160del (NM_001370112.2, NM_001330057.3); c.462TAA[1], p.Asn155del (NM_001370116.2); c.315TAA[1], p.Asn106del (NM_001370123.2); and 3 more; short protein forms N155del, N101del, N106del, N160del, N83del, N123del, N137del, N177del.
Identifiers: ClinVar variation 3679328 (VCV003679328.2).

ClinVar aggregate classification (germline): Uncertain significance (1 of 4 stars; one submission).

Submission:

Labcorp Genetics (formerly Invitae), Labcorp
Classification: Uncertain significance. Last evaluated: 2024-06-20. Review status: criteria provided, single submitter. Criteria: Invitae Variant Classification Sherloc (09022015). Collection method: clinical testing. Allele origin: germline.
Comment: This variant, c.531_533del, results in the deletion of 1 amino acid(s) of the ZMYND11 protein (p.Asn177del), but otherwise preserves the integrity of the reading frame. This variant is present in population databases (no rsID available, gnomAD 0.0009%). This variant has not been reported in the literature in individuals affected with ZMYND11-related conditions. Experimental studies and prediction algorithms are not available or were not evaluated, and the functional significance of this variant is currently unknown. In summary, the available evidence is currently insufficient to determine the role of this variant in disease. Therefore, it has been classified as a Variant of Uncertain Significance.